The following is an entry in ClinVar:

NM_000059.4(BRCA2):c.6575_6588del (p.Met2192fs)

Gene: BRCA2 (BRCA2 DNA repair associated; plus strand). Cytogenetic location: 13q13.1.
Variant type: Deletion.
Coding change: c.6575_6588del on transcript NM_000059.4 (MANE Select); coding-DNA positions 6575 to 6588, 14 bases deleted (TGGAAATTGGTAAA).
Protein change: p.Met2192fs; shifts the reading frame from methionine 2192.
Molecular consequence: frameshift variant.
Genome position (GRCh38, 1-based): chr13:32,340,930-32,340,943, TGGAAATTGGTAAA deleted; deleting any 14 consecutive bases within chr13:32,340,927-32,340,943 gives the same sequence; the c. name uses the placement nearest the transcript's 3' end. VCF-style (leftmost placement, unchanged base first): chr13-32340926-AAAATGGAAATTGGT-A. GRCh37 (hg19) VCF-style: chr13-32915063-AAAATGGAAATTGGT-A.
Other names: 6803del14; short protein forms M2192fs.
Identifiers: ClinVar variation 266964 (VCV000266964.7), dbSNP rs886040667, ClinGen allele CA10589393.

ClinVar aggregate classification (germline): Pathogenic. Review status: reviewed by expert panel (3 of 4 stars). 2 submissions from 2 submitters: Pathogenic (1). 1 of the submissions does not count toward it. Last evaluated 2016-10-18.

Conditions:
Breast-ovarian cancer, familial, susceptibility to, 2 (BROVCA2). Also called: BRCA2 Hereditary Breast and Ovarian Cancer. Identifiers: Orphanet 145, MedGen C2675520, MONDO:0012933, OMIM 612555. Disease mechanism: loss of function.

Submissions (2):

Evidence-based Network for the Interpretation of Germline Mutant Alleles (ENIGMA)
Classification: Pathogenic for Breast-ovarian cancer, familial, susceptibility to, 2. Last evaluated: 2016-10-18. Review status: reviewed by expert panel. Criteria: ENIGMA BRCA1/2 Classification Criteria (2015). Collection method: curation. Allele origin: germline.
Comment: Variant allele predicted to encode a truncated non-functional protein.

Consortium of Investigators of Modifiers of BRCA1/2 (CIMBA), c/o University of Cambridge
Classification: Pathogenic for Breast-ovarian cancer, familial, susceptibility to, 2. Last evaluated: 2015-10-02. Review status: criteria provided, single submitter. Criteria: CIMBA Mutation Classification guidelines May 2016. Collection method: clinical testing. Allele origin: germline. Not counted in ClinVar's aggregate classification.